The following is an entry in ClinVar:

NM_001146344.3(PRAMEF11):c.849C>T (p.Leu283=)

Gene: PRAMEF11 (PRAME family member 11; minus strand). Cytogenetic location: 1p36.21.
Variant type: single nucleotide variant.
Coding change: c.849C>T on transcript NM_001146344.3 (MANE Select); coding-DNA position 849, C replaced by T.
Protein change: p.Leu283=; no amino-acid change (leucine 283 retained).
Molecular consequence: synonymous variant.
Genome position (GRCh38, 1-based): chr1:12,827,275, G>A on the plus strand (C>T on the coding strand, the complement: PRAMEF11 is on the minus strand). VCF-style: chr1-12827275-G-A. GRCh37 (hg19) VCF-style: chr1-12887134-G-A.
Identifiers: ClinVar variation 4533779 (VCV004533779.6).

ClinVar aggregate classification (germline): Likely benign (1 of 4 stars; one submission).

Submission:

CeGaT Center for Human Genetics Tuebingen
Classification: Likely benign. Last evaluated: 2025-10-01. Review status: criteria provided, single submitter. Criteria: CeGaT Center For Human Genetics Tuebingen Variant Classification Criteria Version 2. Collection method: clinical testing. Allele origin: germline. Affected: yes. Observed: 1 variant allele.
Comment: PRAMEF11: BP4, BP7